The following is an entry in ClinVar:

NM_004336.5(BUB1):c.1069G>A (p.Glu357Lys)

Gene: BUB1 (BUB1 mitotic checkpoint serine/threonine kinase; minus strand). Cytogenetic location: 2q13.
Variant type: single nucleotide variant.
Coding change: c.1069G>A on transcript NM_004336.5 (MANE Select); coding-DNA position 1069, G replaced by A.
Protein change: p.Glu357Lys; replaces glutamic acid 357 with lysine.
Molecular consequence: missense variant.
Genome position (GRCh38, 1-based): chr2:110,661,730, C>T on the plus strand (G>A on the coding strand, the complement: BUB1 is on the minus strand). VCF-style: chr2-110661730-C-T. GRCh37 (hg19) VCF-style: chr2-111419307-C-T.
Other names: c.1009G>A, p.Glu337Lys (NM_001278616.2); c.1069G>A, p.Glu357Lys (NM_001278617.2); short protein forms E337K, E357K.
Identifiers: ClinVar variation 3483109 (VCV003483109.3).

ClinVar aggregate classification (germline): Uncertain significance. Review status: criteria provided, multiple submitters, no conflicts (2 of 4 stars). 2 submissions from 2 submitters: Uncertain significance (2). Last evaluated 2024-10-03.

Submissions (2):

Labcorp Genetics (formerly Invitae), Labcorp
Classification: Uncertain significance. Last evaluated: 2024-10-03. Review status: criteria provided, single submitter. Criteria: Invitae Variant Classification Sherloc (09022015). Collection method: clinical testing. Allele origin: germline.
Comment: This sequence change replaces glutamic acid, which is acidic and polar, with lysine, which is basic and polar, at codon 357 of the BUB1 protein (p.Glu357Lys). This variant is present in population databases (rs750421388, gnomAD 0.02%). This variant has not been reported in the literature in individuals affected with BUB1-related conditions. Experimental studies and prediction algorithms are not available or were not evaluated, and the functional significance of this variant is currently unknown. In summary, the available evidence is currently insufficient to determine the role of this variant in disease. Therefore, it has been classified as a Variant of Uncertain Significance.

Ambry Genetics
Classification: Uncertain significance. Last evaluated: 2024-08-21. Review status: criteria provided, single submitter. Criteria: Ambry Variant Classification Scheme 2023. Collection method: clinical testing. Allele origin: germline.